The following is an entry in ClinVar:

NM_001001331.4(ATP2B2):c.1856G>A (p.Ser619Asn)

Gene: ATP2B2 (ATPase plasma membrane Ca2+ transporting 2; minus strand). Cytogenetic location: 3p25.3.
Variant type: single nucleotide variant.
Coding change: c.1856G>A on transcript NM_001001331.4 (MANE Select); coding-DNA position 1856, G replaced by A.
Protein change: p.Ser619Asn; replaces serine 619 with asparagine.
Molecular consequence: missense variant.
Genome position (GRCh38, 1-based): chr3:10,359,927, C>T on the plus strand (G>A on the coding strand, the complement: ATP2B2 is on the minus strand). VCF-style: chr3-10359927-C-T. GRCh37 (hg19) VCF-style: chr3-10401611-C-T.
Other names: c.1721G>A, p.Ser574Asn (NM_001330611.3, NM_001353564.1, NM_001363862.1 and 1 more transcripts); short protein forms S574N, S619N.
Identifiers: ClinVar variation 3044236 (VCV003044236.3), dbSNP rs1274732075, ClinGen allele CA351781237.

ClinVar aggregate classification (germline): Uncertain significance. Review status: criteria provided, single submitter (1 of 4 stars). 2 submissions from 2 submitters: Uncertain significance (1). 1 of the submissions does not count toward it. Last evaluated 2024-01-08.

Conditions:
ATP2B2-related disorder. Also called: ATP2B2-related condition.

Allele frequency attached by ClinVar (database versions not stated): TOPMed below 0.00001; gnomAD 0.00001.
gnomAD v4.1: 4 of 1,614,116 alleles (0.00025%); highest among the groups gnomAD compares: Non-Finnish European, 0.00034%; no homozygotes.

Submissions (2):

Ambry Genetics
Classification: Uncertain significance. Last evaluated: 2024-01-08. Review status: criteria provided, single submitter. Criteria: Ambry Variant Classification Scheme 2023. Collection method: clinical testing. Allele origin: germline.

PreventionGenetics, part of Exact Sciences
Classification: Uncertain significance for ATP2B2-related condition. Last evaluated: 2023-10-23. Review status: no assertion criteria provided. Collection method: clinical testing. Allele origin: germline. Not counted in ClinVar's aggregate classification.
Comment: The ATP2B2 c.1721G>A variant is predicted to result in the amino acid substitution p.Ser574Asn. To our knowledge, this variant has not been reported in the literature or in a large population database, indicating this variant is rare. At this time, the clinical significance of this variant is uncertain due to the absence of conclusive functional and genetic evidence.